The following is an entry in ClinVar:

NM_000489.6(ATRX):c.2803G>A (p.Glu935Lys)

Gene: ATRX (ATRX chromatin remodeler; minus strand). Cytogenetic location: Xq21.1.
Variant type: single nucleotide variant.
Coding change: c.2803G>A on transcript NM_000489.6 (MANE Select); coding-DNA position 2803, G replaced by A.
Protein change: p.Glu935Lys; replaces glutamic acid 935 with lysine.
Molecular consequence: missense variant.
Genome position (GRCh38, 1-based): chrX:77,682,453, C>T on the plus strand (G>A on the coding strand, the complement: ATRX is on the minus strand). VCF-style: chrX-77682453-C-T. GRCh37 (hg19) VCF-style: chrX-76937945-C-T.
Other names: c.2689G>A, p.Glu897Lys (NM_138270.5); short protein forms E897K, E935K.
Identifiers: ClinVar variation 1720989 (VCV001720989.3), dbSNP rs2148588476, ClinGen allele CA413710421.

ClinVar aggregate classification (germline): Uncertain significance (1 of 4 stars; one submission).

Conditions:
Alpha thalassemia-X-linked intellectual disability syndrome (ATRX). Also called: ALPHA-THALASSEMIA/MENTAL RETARDATION SYNDROME, X-LINKED; ATR, NONDELETION TYPE; X-linked alpha-thalassemia-mental retardation syndrome; ATR-X syndrome; Alpha thalassemia mental retardation syndrome, nondeletion type, X-linked; XLMR hypotonic face syndrome. Identifiers: Orphanet 847, MedGen C1845055, MONDO:0010519, OMIM 301040.

Submission:

Labcorp Genetics (formerly Invitae), Labcorp
Classification: Uncertain significance for Alpha thalassemia-X-linked intellectual disability syndrome. Last evaluated: 2022-10-04. Review status: criteria provided, single submitter. Criteria: Invitae Variant Classification Sherloc (09022015). Collection method: clinical testing. Allele origin: germline.
Comment: This sequence change replaces glutamic acid, which is acidic and polar, with lysine, which is basic and polar, at codon 935 of the ATRX protein (p.Glu935Lys). This variant is not present in population databases (gnomAD no frequency). This variant has not been reported in the literature in individuals affected with ATRX-related conditions. Advanced modeling of protein sequence and biophysical properties (such as structural, functional, and spatial information, amino acid conservation, physicochemical variation, residue mobility, and thermodynamic stability) performed at Invitae indicates that this missense variant is not expected to disrupt ATRX protein function. In summary, the available evidence is currently insufficient to determine the role of this variant in disease. Therefore, it has been classified as a Variant of Uncertain Significance.